The following is an entry in ClinVar:

NM_000642.3(AGL):c.4262A>G (p.Asp1421Gly)

Gene: AGL (amylo-alpha-1,6-glucosidase and 4-alpha-glucanotransferase; plus strand). Cytogenetic location: 1p21.2.
Variant type: single nucleotide variant.
Coding change: c.4262A>G on transcript NM_000642.3 (MANE Select); coding-DNA position 4262, A replaced by G.
Protein change: p.Asp1421Gly; replaces aspartic acid 1421 with glycine.
Molecular consequence: missense variant.
Genome position (GRCh38, 1-based): chr1:99,916,412, A>G. VCF-style: chr1-99916412-A-G. GRCh37 (hg19) VCF-style: chr1-100381968-A-G.
Other names: c.4262A>G, p.Asp1421Gly (NM_000028.3, NM_000643.3, NM_000644.3 and 1 more transcripts); c.4214A>G, p.Asp1405Gly (NM_000646.3); c.4241A>G, p.Asp1414Gly (NM_001425326.1); c.4061A>G, p.Asp1354Gly (NM_001425327.1); c.4058A>G, p.Asp1353Gly (NM_001425328.1); c.3923A>G, p.Asp1308Gly (NM_001425329.1); c.3884A>G, p.Asp1295Gly (NM_001425332.1); short protein forms D1421G, D1405G, D1295G, D1308G, D1353G, D1354G, D1414G.
Identifiers: ClinVar variation 456502 (VCV000456502.15), dbSNP rs761264157, ClinGen allele CA967380.

ClinVar aggregate classification (germline): Uncertain significance. Review status: criteria provided, multiple submitters, no conflicts (2 of 4 stars). 6 submissions from 6 submitters: Uncertain significance (5). 1 of the submissions does not count toward it. Last evaluated 2024-12-06.

Conditions:
Inborn genetic diseases. Identifiers: MedGen C0950123, MeSH D030342.
Glycogen storage disease type III (GSD3). Also called: Cori disease; FORBES DISEASE. Identifiers: Orphanet 366, MedGen C0017922, MONDO:0009291, OMIM 232400.

Allele frequency attached by ClinVar (database versions not stated): ExAC 0.00001; gnomAD exomes 0.00001 and 0.00002; gnomAD 0.00009; TOPMed 0.00010.
gnomAD v4.1: 31 of 1,605,864 alleles (0.0019%); highest among the groups gnomAD compares: African/African-American, 0.031%; no homozygotes.

Submissions (6):

Ambry Genetics
Classification: Uncertain significance for Inborn genetic diseases. Last evaluated: 2024-12-06. Review status: criteria provided, single submitter. Criteria: Ambry Variant Classification Scheme 2023. Collection method: clinical testing. Allele origin: germline.

Blueprint Genetics
Classification: Uncertain significance. Last evaluated: 2024-01-12. Review status: criteria provided, single submitter. Criteria: ACMG Guidelines, 2015. Collection method: clinical testing. Allele origin: germline.

Labcorp Genetics (formerly Invitae), Labcorp
Classification: Uncertain significance for Glycogen storage disease type III. Last evaluated: 2022-07-26. Review status: criteria provided, single submitter. Criteria: Invitae Variant Classification Sherloc (09022015). Collection method: clinical testing. Allele origin: germline.
Comment: This sequence change replaces aspartic acid, which is acidic and polar, with glycine, which is neutral and non-polar, at codon 1421 of the AGL protein (p.Asp1421Gly). This variant is present in population databases (rs761264157, gnomAD 0.03%). This variant has not been reported in the literature in individuals affected with AGL-related conditions. ClinVar contains an entry for this variant (Variation ID: 456502). Algorithms developed to predict the effect of missense changes on protein structure and function (SIFT, PolyPhen-2, Align-GVGD) all suggest that this variant is likely to be disruptive. Algorithms developed to predict the effect of sequence changes on RNA splicing suggest that this variant may create or strengthen a splice site. In summary, the available evidence is currently insufficient to determine the role of this variant in disease. Therefore, it has been classified as a Variant of Uncertain Significance.

Genome-Nilou Lab
Classification: Uncertain significance for Glycogen storage disease type III. Last evaluated: 2021-07-15. Review status: criteria provided, single submitter. Criteria: ACMG Guidelines, 2015. Collection method: clinical testing. Allele origin: germline. Affected: no.

Baylor Genetics
Classification: Uncertain significance for Glycogen storage disease type III. Last evaluated: 2019-09-13. Review status: criteria provided, single submitter. Criteria: ACMG Guidelines, 2015. Collection method: clinical testing. Allele origin: unknown. Affected: yes.
Comment: This variant was determined to be of uncertain significance according to ACMG Guidelines, 2015 [PMID:25741868].

Natera, Inc.
Classification: Uncertain significance for Glycogen storage disease type III. Last evaluated: 2019-10-28. Review status: no assertion criteria provided. Collection method: clinical testing. Allele origin: germline. Not counted in ClinVar's aggregate classification.